The following is an entry in ClinVar:

NM_203486.3(DLL3):c.619T>C (p.Cys207Arg)

Genes: DLL3 (delta like canonical Notch ligand 3; plus strand), LOC130064417 (ATAC-STARR-seq lymphoblastoid silent region 10608; plus strand). Cytogenetic location: 19q13.2.
Variant type: single nucleotide variant.
Coding change: c.619T>C on transcript NM_203486.3 (MANE Select); coding-DNA position 619, T replaced by C.
Protein change: p.Cys207Arg; replaces cysteine 207 with arginine.
Molecular consequence: missense variant.
Genome position (GRCh38, 1-based): chr19:39,503,024, T>C. VCF-style: chr19-39503024-T-C. GRCh37 (hg19) VCF-style: chr19-39993664-T-C.
Other names: c.619T>C, p.Cys207Arg (NM_016941.4); short protein forms C207R.
Identifiers: ClinVar variation 2106658 (VCV002106658.4), dbSNP rs1335766222, ClinGen allele CA405796173.

ClinVar aggregate classification (germline): Uncertain significance (1 of 4 stars; one submission).

gnomAD v4.1: 2 of 1,515,648 alleles (0.00013%); highest among the groups gnomAD compares: Admixed American, 0.002%; no homozygotes.

Submission:

Labcorp Genetics (formerly Invitae), Labcorp
Classification: Uncertain significance. Last evaluated: 2022-03-04. Review status: criteria provided, single submitter. Criteria: Invitae Variant Classification Sherloc (09022015). Collection method: clinical testing. Allele origin: germline.
Comment: In summary, the available evidence is currently insufficient to determine the role of this variant in disease. Therefore, it has been classified as a Variant of Uncertain Significance. Algorithms developed to predict the effect of missense changes on protein structure and function are either unavailable or do not agree on the potential impact of this missense change (SIFT: "Deleterious"; PolyPhen-2: "Possibly Damaging"; Align-GVGD: "Class C0"). This variant has not been reported in the literature in individuals affected with DLL3-related conditions. The frequency data for this variant in the population databases is considered unreliable, as metrics indicate poor data quality at this position in the gnomAD database. This sequence change replaces cysteine, which is neutral and slightly polar, with arginine, which is basic and polar, at codon 207 of the DLL3 protein (p.Cys207Arg).